The following is an entry in ClinVar:

NM_014989.7(RIMS1):c.2092C>T (p.Arg698Trp)

Gene: RIMS1 (regulating synaptic membrane exocytosis 1; plus strand). Cytogenetic location: 6q13.
Variant type: single nucleotide variant.
Coding change: c.2092C>T on transcript NM_014989.7 (MANE Select); coding-DNA position 2092, C replaced by T.
Protein change: p.Arg698Trp; replaces arginine 698 with tryptophan.
Molecular consequence: missense variant.
Genome position (GRCh38, 1-based): chr6:72,245,825, C>T. VCF-style: chr6-72245825-C-T. GRCh37 (hg19) VCF-style: chr6-72955528-C-T.
Other names: c.514C>T, p.Arg172Trp (NM_001168407.2, NM_001168408.2, NM_001350414.2 and 37 more transcripts); c.271C>T, p.Arg91Trp (NM_001168409.2, NM_001350463.2, NM_001350464.2 and 6 more transcripts); c.469C>T, p.Arg157Trp (NM_001168410.2, NM_001350470.2, NM_001350472.2 and 2 more transcripts); c.445C>T, p.Arg149Trp (NM_001350421.2, NM_001350424.2, NM_001350428.2 and 6 more transcripts); short protein forms R91W, R157W, R149W, R172W, R698W.
Identifiers: ClinVar variation 1501312 (VCV001501312.6), dbSNP rs778633409, ClinGen allele CA3885891.

ClinVar aggregate classification (germline): Uncertain significance (1 of 4 stars; one submission).

Allele frequency attached by ClinVar (database versions not stated): gnomAD 0.00001; gnomAD exomes 0.00001; TOPMed 0.00001; ExAC 0.00002.
gnomAD v4.1: 11 of 1,609,384 alleles (0.00068%); highest among the groups gnomAD compares: Middle Eastern, 0.016%; no homozygotes.

Submission:

Labcorp Genetics (formerly Invitae), Labcorp
Classification: Uncertain significance. Last evaluated: 2021-11-03. Review status: criteria provided, single submitter. Criteria: Invitae Variant Classification Sherloc (09022015). Collection method: clinical testing. Allele origin: germline.
Comment: In summary, the available evidence is currently insufficient to determine the role of this variant in disease. Therefore, it has been classified as a Variant of Uncertain Significance. Algorithms developed to predict the effect of missense changes on protein structure and function (SIFT, PolyPhen-2, Align-GVGD) all suggest that this variant is likely to be disruptive. This variant has not been reported in the literature in individuals affected with RIMS1-related conditions. This variant is present in population databases (rs778633409, gnomAD 0.002%). This sequence change replaces arginine, which is basic and polar, with tryptophan, which is neutral and slightly polar, at codon 698 of the RIMS1 protein (p.Arg698Trp).